The following is an entry in ClinVar:

ClinVar aggregate classification (germline): Pathogenic/Likely pathogenic. Review status: criteria provided, multiple submitters, no conflicts (2 of 4 stars). 2 submissions from 2 submitters: Pathogenic (1); Likely pathogenic (1). Last evaluated 2023-05-08.

Conditions:
USH1G-related disorder. Also called: USH1G-related disorders; USH1G-related condition.

Submissions (2):

Labcorp Genetics (formerly Invitae), Labcorp
Classification: Pathogenic. Last evaluated: 2023-05-08. Review status: criteria provided, single submitter. Criteria: Invitae Variant Classification Sherloc (09022015). Collection method: clinical testing. Allele origin: germline.
Comment: This sequence change creates a premature translational stop signal (p.Leu399Alafs*24) in the USH1G gene. It is expected to result in an absent or disrupted protein product. Loss-of-function variants in USH1G are known to be pathogenic (PMID: 12588794, 22219650). This variant is not present in population databases (gnomAD no frequency). This premature translational stop signal has been observed in individual(s) with deafness (PMID: 25798947). For these reasons, this variant has been classified as Pathogenic.

Blueprint Genetics
Classification: Likely pathogenic for USH1G-related disorders. Last evaluated: 2018-08-24. Review status: criteria provided, single submitter. Criteria: ACMG Guidelines, 2015. Collection method: clinical testing. Allele origin: germline. Affected: yes. Observed: 1 variant allele.

Literature cited by the submitters: PubMed 12588794 (cited by Labcorp Genetics (formerly Invitae), Labcorp); PubMed 22219650 (cited by Labcorp Genetics (formerly Invitae), Labcorp); PubMed 25798947 (cited by Labcorp Genetics (formerly Invitae), Labcorp).

NM_173477.5(USH1G):c.1195_1196del (p.Leu399fs)

Gene: USH1G (USH1 protein network component sans; minus strand). Cytogenetic location: 17q25.1.
Variant type: Microsatellite.
Coding change: c.1195_1196del on transcript NM_173477.5 (MANE Select); coding-DNA positions 1195 to 1196, 2 bases deleted (CT; older notation c.1195_1196delCT).
Protein change: p.Leu399fs; shifts the reading frame from leucine 399.
Molecular consequence: frameshift variant.
Genome position (GRCh38, 1-based): chr17:74,919,640-74,919,641, AG deleted on the plus strand (CT on the coding strand, the reverse complement: USH1G is on the minus strand); deleting any 2 consecutive bases within chr17:74,919,640-74,919,645 gives the same sequence; the c. name uses the placement nearest the transcript's 3' end. VCF-style (leftmost placement, unchanged base first): chr17-74919639-CAG-C. GRCh37 (hg19) VCF-style: chr17-72915734-CAG-C.
Other names: c.886_887del, p.Leu296fs (NM_001282489.3); short protein forms L296fs, L399fs.
Identifiers: ClinVar variation 2736643 (VCV002736643.4), dbSNP rs2038909213, ClinGen allele CA986277536.